The following is an entry in ClinVar:

ClinVar aggregate classification (germline): Uncertain significance (1 of 4 stars; one submission).

Conditions:
Autosomal recessive hypophosphatemic bone disease (HHRH). Also called: HYPERCALCIURIC RICKETS; Hypophosphatemic rickets with hypercalciuria. Identifiers: Orphanet 157215, MedGen C1853271, MONDO:0009431, OMIM 241530.

Allele frequency attached by ClinVar (database versions not stated): gnomAD exomes below 0.00001; TOPMed below 0.00001; ExAC 0.00006.

Submission:

Neuberg Centre For Genomic Medicine, NCGM
Classification: Uncertain significance for Autosomal recessive hypophosphatemic bone disease. Review status: criteria provided, single submitter. Criteria: ACMG Guidelines, 2015. Collection method: clinical testing. Allele origin: germline. Inheritance: Autosomal recessive inheritance. Affected: yes.
Comment: The missense c.632G>Ap.Ser211Asn variant in SLC34A3 gene has not been reported previously as a pathogenic variant nor as a benign variant, to our knowledge. This variant is reported with the allele frequency of 0.001% in the gnomAD Exomes and novel in 1000 Genomes. The amino acid Ser at position 211 is changed to a Asn changing protein sequence and it might alter its composition and physico-chemical properties. The amino acid change p.Ser211Asn in SLC34A3 is predicted as conserved by GERP++. The variant is predicted as damaging by SIFT. For these reasons, this variant has been classified as Uncertain Significance.

NM_001177316.2(SLC34A3):c.632G>A (p.Ser211Asn)

Gene: SLC34A3 (solute carrier family 34 member 3; plus strand). Cytogenetic location: 9q34.3.
Variant type: single nucleotide variant.
Coding change: c.632G>A on transcript NM_001177316.2 (MANE Select); coding-DNA position 632, G replaced by A.
Protein change: p.Ser211Asn; replaces serine 211 with asparagine.
Molecular consequence: missense variant.
Genome position (GRCh38, 1-based): chr9:137,233,280, G>A. VCF-style: chr9-137233280-G-A. GRCh37 (hg19) VCF-style: chr9-140127732-G-A.
Other names: c.632G>A, p.Ser211Asn (NM_001177317.2, NM_080877.3); short protein forms S211N.
Identifiers: ClinVar variation 3234908 (VCV003234908.1), dbSNP rs760863723, ClinGen allele CA5364503.